The following is an entry in ClinVar:

ClinVar aggregate classification (germline): Uncertain significance. Review status: criteria provided, multiple submitters, no conflicts (2 of 4 stars). 2 submissions from 2 submitters: Uncertain significance (2). Last evaluated 2025-06-22.

gnomAD v4.1: 12 of 1,614,126 alleles (0.00074%); highest among the groups gnomAD compares: Admixed American, 0.0083%; no homozygotes.

Submissions (2):

Ambry Genetics
Classification: Uncertain significance. Last evaluated: 2025-06-22. Review status: criteria provided, single submitter. Criteria: Ambry Variant Classification Scheme 2023. Collection method: clinical testing. Allele origin: germline.

Labcorp Genetics (formerly Invitae), Labcorp
Classification: Uncertain significance. Last evaluated: 2025-02-19. Review status: criteria provided, single submitter. Criteria: Invitae Variant Classification Sherloc (09022015). Collection method: clinical testing. Allele origin: germline.
Comment: This sequence change replaces asparagine, which is neutral and polar, with isoleucine, which is neutral and non-polar, at codon 723 of the KL protein (p.Asn723Ile). This variant is present in population databases (rs368793454, gnomAD 0.03%). This variant has not been reported in the literature in individuals affected with KL-related conditions. Invitae Evidence Modeling of protein sequence and biophysical properties (such as structural, functional, and spatial information, amino acid conservation, physicochemical variation, residue mobility, and thermodynamic stability) indicates that this missense variant is not expected to disrupt KL protein function with a negative predictive value of 80%. In summary, the available evidence is currently insufficient to determine the role of this variant in disease. Therefore, it has been classified as a Variant of Uncertain Significance.

NM_004795.4(KL):c.2168A>T (p.Asn723Ile)

Gene: KL (klotho; plus strand). Cytogenetic location: 13q13.1.
Variant type: single nucleotide variant.
Coding change: c.2168A>T on transcript NM_004795.4 (MANE Select); coding-DNA position 2168, A replaced by T.
Protein change: p.Asn723Ile; replaces asparagine 723 with isoleucine.
Molecular consequence: missense variant.
Genome position (GRCh38, 1-based): chr13:33,061,247, A>T. VCF-style: chr13-33061247-A-T. GRCh37 (hg19) VCF-style: chr13-33635384-A-T.
Other names: short protein forms N723I.
Identifiers: ClinVar variation 4093211 (VCV004093211.2).